The following is an entry in ClinVar:

ClinVar aggregate classification (germline): Likely pathogenic (0 of 4 stars; one submission).

Conditions:
RAC3-related disorder. Also called: RAC3-related condition.

gnomAD v4.1: 1 of 1,613,022 alleles (0.000062%); highest among the groups gnomAD compares: Non-Finnish European, 0.000085%; no homozygotes.

Submission:

PreventionGenetics, part of Exact Sciences
Classification: Likely pathogenic for RAC3-related condition. Last evaluated: 2024-07-12. Review status: no assertion criteria provided. Collection method: clinical testing. Allele origin: germline.
Comment: The RAC3 c.193G>A variant is predicted to result in the amino acid substitution p.Asp65Asn. To our knowledge, this variant has not been reported in the literature or in a large population database, indicating this variant is rare. This variant is interpreted as likely pathogenic.

NM_005052.3(RAC3):c.193G>A (p.Asp65Asn)

Gene: RAC3 (Rac family small GTPase 3; plus strand). Cytogenetic location: 17q25.3.
Variant type: single nucleotide variant.
Coding change: c.193G>A on transcript NM_005052.3 (MANE Select); coding-DNA position 193, G replaced by A.
Protein change: p.Asp65Asn; replaces aspartic acid 65 with asparagine.
Molecular consequence: missense variant.
Genome position (GRCh38, 1-based): chr17:82,032,796, G>A. VCF-style: chr17-82032796-G-A. GRCh37 (hg19) VCF-style: chr17-79990672-G-A.
Other names: c.193G>A, p.Asp65Asn (NM_001316307.2); short protein forms D65N.
Identifiers: ClinVar variation 3347558 (VCV003347558.1).